The following is an entry in ClinVar:

NM_005465.7(AKT3):c.43_44dup (p.Tyr18fs)

Gene: AKT3 (AKT serine/threonine kinase 3; minus strand). Cytogenetic location: 1q44.
Variant type: Microsatellite.
Coding change: c.43_44dup on transcript NM_005465.7 (MANE Select); coding-DNA positions 43 to 44, 2 bases duplicated (AG; older notation c.43_44dupAG).
Protein change: p.Tyr18fs; shifts the reading frame from tyrosine 18.
Molecular consequence: frameshift variant.
Genome position (GRCh38, 1-based): chr1:243,843,127-243,843,128, CT duplicated on the plus strand (AG on the coding strand, the reverse complement: AKT3 is on the minus strand); duplicating any 2 consecutive bases within chr1:243,843,127-243,843,130 gives the same sequence; the c. name uses the placement nearest the transcript's 3' end. VCF-style (leftmost placement, unchanged base first): chr1-243843126-C-CCT. GRCh37 (hg19) VCF-style: chr1-244006428-C-CCT.
Other names: c.43_44dup, p.Tyr18fs (NM_001206729.2, NM_001370074.1, NM_181690.2); short protein forms Y18fs.
Identifiers: ClinVar variation 4975110 (VCV004975110.1).

ClinVar aggregate classification (germline): Uncertain significance (1 of 4 stars; one submission).

Submission:

GeneDx
Classification: Uncertain significance. Last evaluated: 2026-01-23. Review status: criteria provided, single submitter. Criteria: GeneDx Variant Classification Process June 2021. Collection method: clinical testing. Allele origin: germline.
Comment: Not observed at significant frequency in large population cohorts (gnomAD); Frameshift variant predicted to result in protein truncation or nonsense mediated decay in a gene for which loss of function is not a known mechanism of disease; Has not been previously published as pathogenic or benign to our knowledge